The following is an entry in ClinVar:

NM_000444.6(PHEX):c.1663C>T (p.Leu555Phe)

Genes: PHEX (phosphate regulating endopeptidase X-linked; plus strand), PTCHD1-AS (PTCHD1 and PHEX antisense RNA; minus strand). Cytogenetic location: Xp22.11.
Variant type: single nucleotide variant.
Coding change: c.1663C>T on transcript NM_000444.6 (MANE Select); coding-DNA position 1663, C replaced by T.
Protein change: p.Leu555Phe; replaces leucine 555 with phenylalanine.
Molecular consequence: missense variant.
Genome position (GRCh38, 1-based): chrX:22,212,921, C>T. VCF-style: chrX-22212921-C-T. GRCh37 (hg19) VCF-style: chrX-22231038-C-T.
Other names: c.1663C>T, p.Leu555Phe (NM_001282754.2); short protein forms L555F.
Identifiers: ClinVar variation 4882339 (VCV004882339.2).

ClinVar aggregate classification (germline): Uncertain significance (1 of 4 stars; one submission).

Conditions:
Familial X-linked hypophosphatemic vitamin D refractory rickets (XLHRD). Also called: HYPOPHOSPHATEMIC VITAMIN D-RESISTANT RICKETS; Hypophosphatemic Rickets, X-Linked Dominant; Hypophosphatemia, vitamin D-resistant rickets; Vitamin D-resistant rickets, X-linked; X-Linked Hypophosphatemia. Identifiers: Orphanet 89936, MedGen C0733682, MONDO:0010619, OMIM 307800.

gnomAD v4.1: 1 of 1,204,533 alleles (0.000083%); highest among the groups gnomAD compares: Non-Finnish European, 0.00011%; no homozygotes.

Submission:

Dasa
Classification: Uncertain significance for X-linked dominant hypophosphatemic rickets. Last evaluated: 2025-04-25. Review status: criteria provided, single submitter. Criteria: DASA Assertion Criteria. Collection method: clinical testing. Allele origin: germline.
Comment: NM_000444.6(PHEX):c.1663C>T (p.Leu555Phe) is a missense variant that results in the substitution of leucine with phenylalanine. The affected residue or protein region has prior evidence supporting clinical relevance. This variant is rare in population databases. Computational prediction algorithms are consistent with a deleterious effect. The currently available literature and clinical evidence are not sufficient to establish a definitive association between this variant and the reported condition. Therefore, this variant is classified as a variant of uncertain significance.